The following is an entry in ClinVar:

NM_021913.5(AXL):c.505G>A (p.Val169Met)

Gene: AXL (AXL receptor tyrosine kinase; plus strand). Cytogenetic location: 19q13.2.
Variant type: single nucleotide variant.
Coding change: c.505G>A on transcript NM_021913.5 (MANE Select); coding-DNA position 505, G replaced by A.
Protein change: p.Val169Met; replaces valine 169 with methionine.
Molecular consequence: missense variant.
Genome position (GRCh38, 1-based): chr19:41,221,975, G>A. VCF-style: chr19-41221975-G-A. GRCh37 (hg19) VCF-style: chr19-41727880-G-A.
Other names: c.505G>A, p.Val169Met (NM_001699.6); short protein forms V169M.
Identifiers: ClinVar variation 3710762 (VCV003710762.2).

ClinVar aggregate classification (germline): Uncertain significance (1 of 4 stars; one submission).

gnomAD v4.1: 23 of 1,611,558 alleles (0.0014%); highest among the groups gnomAD compares: Admixed American, 0.0067%; no homozygotes.

Submission:

Labcorp Genetics (formerly Invitae), Labcorp
Classification: Uncertain significance. Last evaluated: 2024-06-29. Review status: criteria provided, single submitter. Criteria: Invitae Variant Classification Sherloc (09022015). Collection method: clinical testing. Allele origin: germline.
Comment: This sequence change replaces valine, which is neutral and non-polar, with methionine, which is neutral and non-polar, at codon 169 of the AXL protein (p.Val169Met). The frequency data for this variant in the population databases is considered unreliable, as metrics indicate poor data quality at this position in the gnomAD database. This variant has not been reported in the literature in individuals affected with AXL-related conditions. Advanced modeling of protein sequence and biophysical properties (such as structural, functional, and spatial information, amino acid conservation, physicochemical variation, residue mobility, and thermodynamic stability) performed at Invitae indicates that this missense variant is expected to disrupt AXL protein function with a positive predictive value of 80%. In summary, the available evidence is currently insufficient to determine the role of this variant in disease. Therefore, it has been classified as a Variant of Uncertain Significance.